The following is an entry in ClinVar:

ClinVar aggregate classification (germline): Uncertain significance. Review status: criteria provided, multiple submitters, no conflicts (2 of 4 stars). 2 submissions from 2 submitters: Uncertain significance (2). Last evaluated 2024-11-24.

Allele frequency attached by ClinVar (database versions not stated): gnomAD 0.00003 and 0.00004; gnomAD exomes 0.00003 and 0.00005; ExAC 0.00004; TOPMed 0.00004.
gnomAD v4.1: 78 of 1,613,760 alleles (0.0048%); highest among the groups gnomAD compares: Middle Eastern, 0.066%; 1 homozygote.

Submissions (2):

Ambry Genetics
Classification: Uncertain significance. Last evaluated: 2024-11-24. Review status: criteria provided, single submitter. Criteria: Ambry Variant Classification Scheme 2023. Collection method: clinical testing. Allele origin: germline.
Comment: The p.E613K variant (also known as c.1837G>A), located in coding exon 13 of the GEN1 gene, results from a G to A substitution at nucleotide position 1837. The glutamic acid at codon 613 is replaced by lysine, an amino acid with similar properties. This amino acid position is conserved. In addition, this alteration is predicted to be tolerated by in silico analysis. Based on the available evidence, the clinical significance of this variant remains unclear.

Labcorp Genetics (formerly Invitae), Labcorp
Classification: Uncertain significance. Last evaluated: 2023-12-16. Review status: criteria provided, single submitter. Criteria: Invitae Variant Classification Sherloc (09022015). Collection method: clinical testing. Allele origin: germline.
Comment: This sequence change replaces glutamic acid, which is acidic and polar, with lysine, which is basic and polar, at codon 613 of the GEN1 protein (p.Glu613Lys). This variant is present in population databases (rs775197128, gnomAD 0.01%). This variant has not been reported in the literature in individuals affected with GEN1-related conditions. ClinVar contains an entry for this variant (Variation ID: 1350481). An algorithm developed to predict the effect of missense changes on protein structure and function (PolyPhen-2) suggests that this variant is likely to be tolerated. In summary, the available evidence is currently insufficient to determine the role of this variant in disease. Therefore, it has been classified as a Variant of Uncertain Significance.

NM_001130009.3(GEN1):c.1837G>A (p.Glu613Lys)

Gene: GEN1 (GEN1 structure-specific endonuclease; plus strand). Cytogenetic location: 2p24.2.
Variant type: single nucleotide variant.
Coding change: c.1837G>A on transcript NM_001130009.3 (MANE Select); coding-DNA position 1837, G replaced by A.
Protein change: p.Glu613Lys; replaces glutamic acid 613 with lysine.
Molecular consequence: missense variant.
Genome position (GRCh38, 1-based): chr2:17,781,049, G>A. VCF-style: chr2-17781049-G-A. GRCh37 (hg19) VCF-style: chr2-17962316-G-A.
Other names: c.1837G>A, p.Glu613Lys (NM_182625.5); c.1837G>A (NM_001130009.1); short protein forms E613K.
Identifiers: ClinVar variation 1350481 (VCV001350481.9), dbSNP rs775197128, ClinGen allele CA1540839.